The following is an entry in ClinVar:

NM_006231.4(POLE):c.6489C>A (p.Phe2163Leu)

Gene: POLE (DNA polymerase epsilon, catalytic subunit; minus strand). Cytogenetic location: 12q24.33.
Variant type: single nucleotide variant.
Coding change: c.6489C>A on transcript NM_006231.4 (MANE Select); coding-DNA position 6489, C replaced by A.
Protein change: p.Phe2163Leu; replaces phenylalanine 2163 with leucine.
Molecular consequence: missense variant.
Genome position (GRCh38, 1-based): chr12:132,626,159, G>T on the plus strand (C>A on the coding strand, the complement: POLE is on the minus strand). VCF-style: chr12-132626159-G-T. GRCh37 (hg19) VCF-style: chr12-133202745-G-T.
Other names: short protein forms F2163L.
Identifiers: ClinVar variation 1038107 (VCV001038107.8), dbSNP rs1566309041, ClinGen allele CA387367298.
Genomic context (GRCh38, chr12:132,626,159, plus strand): 5'-GCTGGAGCTCAGCCGCACCTCTGAGAAGGAAGAGTCTTTACACAGGTCCAGGTCGCGGCA[G>T]AAGTTACAGCTGCGGCAGATGACCTCAGGAAGCACGTAGGAGCGGCAGGGGTCTCGGAAC-3'
Protein context (NP_006222.2, residues 2153-2173): LPEVICRSCN[Phe2163Leu]CRDLDLCKDS

ClinVar aggregate classification (germline): Uncertain significance (1 of 4 stars; one submission).

Submission:

Labcorp Genetics (formerly Invitae), Labcorp
Classification: Uncertain significance. Last evaluated: 2020-07-02. Review status: criteria provided, single submitter. Criteria: Invitae Variant Classification Sherloc (09022015). Collection method: clinical testing. Allele origin: germline.
Comment: In summary, the available evidence is currently insufficient to determine the role of this variant in disease. Therefore, it has been classified as a Variant of Uncertain Significance. Algorithms developed to predict the effect of missense changes on protein structure and function (SIFT, PolyPhen-2, Align-GVGD) all suggest that this variant is likely to be tolerated, but these predictions have not been confirmed by published functional studies and their clinical significance is uncertain. This variant has not been reported in the literature in individuals with POLE-related conditions. This variant is not present in population databases (ExAC no frequency). This sequence change replaces phenylalanine with leucine at codon 2163 of the POLE protein (p.Phe2163Leu). The phenylalanine residue is moderately conserved and there is a small physicochemical difference between phenylalanine and leucine.